The following is an entry in ClinVar:

ClinVar aggregate classification (germline): Conflicting classifications of pathogenicity. Review status: criteria provided, conflicting classifications (1 of 4 stars). 2 submissions from 2 submitters: Pathogenic (1); Uncertain significance (1). Last evaluated 2025-06-20.

Conditions:
Mucopolysaccharidosis, MPS-IV-A (MPS4A). Also called: Mucopolysaccharidosis type IV A; Mucopolysaccharidosis Type IVA; Morquio syndrome A, mild; MORQUIO SYNDROME A; MPS IVA; mucopolysaccharidosis type 4A. Identifiers: Orphanet 309297, Orphanet 582, MedGen C0086651, MONDO:0009659, OMIM 253000.
Morquio syndrome. Also called: Mucopolysaccharidosis, Type IV; MPS IV; Mucopolysaccharidosis type 4; Eccentrochondrodysplasia. Identifiers: Orphanet 582, MedGen C0026707, MONDO:0018938.

Submissions (2):

Women's Health and Genetics/Laboratory Corporation of America, LabCorp
Classification: Pathogenic for Morquio syndrome. Last evaluated: 2025-06-20. Review status: criteria provided, single submitter. Criteria: LabCorp Variant Classification Summary - May 2015. Collection method: clinical testing. Allele origin: germline.
Comment: Variant summary: GALNS c.416G>A (p.Gly139Asp) results in a non-conservative amino acid change in the encoded protein sequence. Algorithms developed to predict the effect of missense changes on protein structure and function all suggest that this variant is likely to be disruptive. The variant was absent in 251092 control chromosomes. c.416G>A has been observed in individual(s) affected with Mucopolysaccharidosis Type IVA (Morquio Syndrome A) (example: Tuysuz_2019). These data indicate that the variant is likely to be associated with disease. A different variant affecting the same codon has been classified as pathogenic by our lab (c.415G>A, p.Gly139Ser), supporting the critical relevance of codon 139 to GALNS protein function. The following publication has been ascertained in the context of this evaluation (PMID: 30980944). ClinVar contains an entry for this variant (Variation ID: 1048397). Based on the evidence outlined above, the variant was classified as pathogenic.

Laboratory of Diagnosis and Therapy of Lysosomal Disorders, University of Padova
Classification: Uncertain significance for Mucopolysaccharidosis, MPS-IV-A. Last evaluated: 2021-02-01. Review status: criteria provided, single submitter. Criteria: ACMG Guidelines, 2015. Collection method: curation. Allele origin: germline. Affected: yes.
Comment: Absent from gnomAD v2.1.1 (PM2_moderate); cosegregation with disease in multiple affected family members in a gene definitively known to cause the disease (PP1_supporting); multiple lines of computational evidence support a deleterious effect on the gene (PP3_supporting)

Literature cited by the submitters: PubMed 30980944 (cited by Women's Health and Genetics/Laboratory Corporation of America, LabCorp and Laboratory of Diagnosis and Therapy of Lysosomal Disorders, University of Padova); PubMed 34387910 (cited by Laboratory of Diagnosis and Therapy of Lysosomal Disorders, University of Padova).

NM_000512.5(GALNS):c.416G>A (p.Gly139Asp)

Gene: GALNS (galactosamine (N-acetyl)-6-sulfatase; minus strand). Cytogenetic location: 16q24.3.
Variant type: single nucleotide variant.
Coding change: c.416G>A on transcript NM_000512.5 (MANE Select); coding-DNA position 416, G replaced by A.
Protein change: p.Gly139Asp; replaces glycine 139 with aspartic acid.
Molecular consequence: missense variant. On other transcripts: 5 prime UTR variant (1).
Genome position (GRCh38, 1-based): chr16:88,840,998, C>T on the plus strand (G>A on the coding strand, the complement: GALNS is on the minus strand). VCF-style: chr16-88840998-C-T. GRCh37 (hg19) VCF-style: chr16-88907406-C-T.
Other names: c.-140G>A (NM_001323543.2); c.434G>A, p.Gly145Asp (NM_001323544.2); short protein forms G139D, G145D.
Identifiers: ClinVar variation 1048397 (VCV001048397.4), dbSNP rs2143004596, ClinGen allele CA397087590.